The following is an entry in ClinVar:

NM_001370259.2(MEN1):c.532T>A (p.Ser178Thr)

Gene: MEN1 (menin 1; minus strand). Cytogenetic location: 11q13.1.
Variant type: single nucleotide variant.
Coding change: c.532T>A on transcript NM_001370259.2 (MANE Select); coding-DNA position 532, T replaced by A.
Protein change: p.Ser178Thr; replaces serine 178 with threonine.
Molecular consequence: missense variant. On other transcripts: non-coding transcript variant (4).
Genome position (GRCh38, 1-based): chr11:64,808,013, A>T on the plus strand (T>A on the coding strand, the complement: MEN1 is on the minus strand). VCF-style: chr11-64808013-A-T. GRCh37 (hg19) VCF-style: chr11-64575485-A-T.
Other names: c.547T>A, p.Ser183Thr (NM_000244.4, NM_001407145.1, NM_001407150.1 and 5 more transcripts); c.532T>A, p.Ser178Thr (NM_001370251.2, NM_001370260.2, NM_001370261.2 and 12 more transcripts); short protein forms S178T, S183T.
Identifiers: ClinVar variation 3394964 (VCV003394964.1).

ClinVar aggregate classification (germline): Uncertain significance (1 of 4 stars; one submission).

Conditions:
Hereditary cancer-predisposing syndrome. Also called: Hereditary Cancer Syndrome; Tumor predisposition; Hereditary neoplastic syndrome; Neoplastic Syndromes, Hereditary. Identifiers: Orphanet 140162, MedGen C0027672, MeSH D009386, MONDO:0015356.

Submission:

Ambry Genetics
Classification: Uncertain significance for Hereditary cancer-predisposing syndrome. Last evaluated: 2024-09-01. Review status: criteria provided, single submitter. Criteria: Ambry Variant Classification Scheme 2023. Collection method: clinical testing. Allele origin: germline.
Comment: The p.S178T variant (also known as c.532T>A), located in coding exon 2 of the MEN1 gene, results from a T to A substitution at nucleotide position 532. The serine at codon 178 is replaced by threonine, an amino acid with similar properties. This amino acid position is conserved. In addition, this alteration is predicted to be deleterious by in silico analysis. Based on the available evidence, the clinical significance of this variant remains unclear.